The following is an entry in ClinVar:

ClinVar aggregate classification (germline): Uncertain significance (1 of 4 stars; one submission).

Conditions:
Familial cancer of breast. Also called: hereditary breast carcinoma; Hereditary breast cancer; BREAST CANCER, FAMILIAL. Identifiers: Orphanet 227535, MedGen C0346153, MONDO:0016419, OMIM 114480. Disease mechanism: loss of function.
Fanconi anemia complementation group J. Also called: BRIP1-Related Fanconi Anemia. Identifiers: Orphanet 84, MedGen C1836860, MONDO:0012187, OMIM 609054.

Submission:

Labcorp Genetics (formerly Invitae), Labcorp
Classification: Uncertain significance for Familial cancer of breast; Fanconi anemia complementation group J. Last evaluated: 2021-03-02. Review status: criteria provided, single submitter. Criteria: Invitae Variant Classification Sherloc (09022015). Collection method: clinical testing. Allele origin: germline.
Comment: This variant is not present in population databases (ExAC no frequency). In summary, the available evidence is currently insufficient to determine the role of this variant in disease. Therefore, it has been classified as a Variant of Uncertain Significance. Algorithms developed to predict the effect of missense changes on protein structure and function are either unavailable or do not agree on the potential impact of this missense change (SIFT: "Deleterious"; PolyPhen-2: "Possibly Damaging"; Align-GVGD: "Class C0"). This variant has not been reported in the literature in individuals with BRIP1-related conditions. This sequence change replaces aspartic acid with histidine at codon 1080 of the BRIP1 protein (p.Asp1080His). The aspartic acid residue is weakly conserved and there is a moderate physicochemical difference between aspartic acid and histidine.

NM_032043.3(BRIP1):c.3238G>C (p.Asp1080His)

Gene: BRIP1 (BRCA1 interacting DNA helicase 1; minus strand). Cytogenetic location: 17q23.2.
Variant type: single nucleotide variant.
Coding change: c.3238G>C on transcript NM_032043.3 (MANE Select); coding-DNA position 3238, G replaced by C.
Protein change: p.Asp1080His; replaces aspartic acid 1080 with histidine.
Molecular consequence: missense variant.
Genome position (GRCh38, 1-based): chr17:61,683,808, C>G on the plus strand (G>C on the coding strand, the complement: BRIP1 is on the minus strand). VCF-style: chr17-61683808-C-G. GRCh37 (hg19) VCF-style: chr17-59761169-C-G.
Other names: short protein forms D1080H.
Identifiers: ClinVar variation 1514215 (VCV001514215.9), dbSNP rs786204230, ClinGen allele CA400479182.